The following is an entry in ClinVar:

NM_198053.3(CD247):c.182C>T (p.Ala61Val)

Gene: CD247 (CD247 molecule; minus strand). Cytogenetic location: 1q24.2.
Variant type: single nucleotide variant.
Coding change: c.182C>T on transcript NM_198053.3 (MANE Select); coding-DNA position 182, C replaced by T.
Protein change: p.Ala61Val; replaces alanine 61 with valine.
Molecular consequence: missense variant.
Genome position (GRCh38, 1-based): chr1:167,439,381, G>A on the plus strand (C>T on the coding strand, the complement: CD247 is on the minus strand). VCF-style: chr1-167439381-G-A. GRCh37 (hg19) VCF-style: chr1-167408618-G-A.
Other names: c.182C>T, p.Ala61Val (NM_000734.4); c.275C>T, p.Ala92Val (NM_001378515.1, NM_001378516.1); short protein forms A61V, A92V.
Identifiers: ClinVar variation 2167681 (VCV002167681.2), dbSNP rs765877580, ClinGen allele CA1226073.
Genomic context (GRCh38, chr1:167,439,381, plus strand): 5'-GGTCTACGGCGAGGCTGACTTACGTTATAGAGCTGGTTCTGGCCCTGCTGGTACGCGGGG[G>A]CGTCTGCGCTCCTGCTGAACTGCAACACAGAAAGCAAAGCGCGTTACTGCTCCGCGAGGG-3'
Protein context (NP_932170.1, residues 51-71): LRVKFSRSAD[Ala61Val]PAYQQGQNQL

ClinVar aggregate classification (germline): Uncertain significance (1 of 4 stars; one submission).

Conditions:
Immunodeficiency 25. Also called: Immunodeficiency due to defect in cd3-zeta, somatic. Identifiers: MedGen C1857798, MONDO:0012426, OMIM 610163.

Allele frequency attached by ClinVar (database versions not stated): gnomAD exomes below 0.00001; ExAC 0.00001.
gnomAD v4.1: 5 of 1,614,150 alleles (0.00031%); highest among the groups gnomAD compares: South Asian, 0.0055%; no homozygotes.

Submission:

Labcorp Genetics (formerly Invitae), Labcorp
Classification: Uncertain significance for Immunodeficiency 25. Last evaluated: 2022-10-25. Review status: criteria provided, single submitter. Criteria: Invitae Variant Classification Sherloc (09022015). Collection method: clinical testing. Allele origin: germline.
Comment: In summary, the available evidence is currently insufficient to determine the role of this variant in disease. Therefore, it has been classified as a Variant of Uncertain Significance. Algorithms developed to predict the effect of missense changes on protein structure and function output the following: SIFT: "Tolerated"; PolyPhen-2: "Benign"; Align-GVGD: "Class C0". The valine amino acid residue is found in multiple mammalian species, which suggests that this missense change does not adversely affect protein function. This variant has not been reported in the literature in individuals affected with CD247-related conditions. This variant is present in population databases (rs765877580, gnomAD 0.006%). This sequence change replaces alanine, which is neutral and non-polar, with valine, which is neutral and non-polar, at codon 61 of the CD247 protein (p.Ala61Val).